The following is an entry in ClinVar:

NM_000883.4(IMPDH1):c.809T>C (p.Leu270Pro)

Gene: IMPDH1 (inosine monophosphate dehydrogenase 1; minus strand). Cytogenetic location: 7q32.1.
Variant type: single nucleotide variant.
Coding change: c.809T>C on transcript NM_000883.4 (MANE Select); coding-DNA position 809, T replaced by C.
Protein change: p.Leu270Pro; replaces leucine 270 with proline.
Molecular consequence: missense variant.
Genome position (GRCh38, 1-based): chr7:128,400,160, A>G on the plus strand (T>C on the coding strand, the complement: IMPDH1 is on the minus strand). VCF-style: chr7-128400160-A-G. GRCh37 (hg19) VCF-style: chr7-128040214-A-G.
Other names: c.779T>C, p.Leu260Pro (NM_001102605.2); c.554T>C, p.Leu185Pro (NM_001142573.2); c.539T>C, p.Leu180Pro (NM_001142574.2); c.479T>C, p.Leu160Pro (NM_001142575.2); c.710T>C, p.Leu237Pro (NM_001142576.2); c.602T>C, p.Leu201Pro (NM_001304521.2); c.701T>C, p.Leu234Pro (NM_183243.3); short protein forms L185P, L201P, L270P, L234P, L180P, L237P, L160P, L260P.
Identifiers: ClinVar variation 3661418 (VCV003661418.2).

ClinVar aggregate classification (germline): Uncertain significance (1 of 4 stars; one submission).

Submission:

Labcorp Genetics (formerly Invitae), Labcorp
Classification: Uncertain significance. Last evaluated: 2024-08-04. Review status: criteria provided, single submitter. Criteria: Invitae Variant Classification Sherloc (09022015). Collection method: clinical testing. Allele origin: germline.
Comment: This sequence change replaces leucine, which is neutral and non-polar, with proline, which is neutral and non-polar, at codon 270 of the IMPDH1 protein (p.Leu270Pro). This variant is not present in population databases (gnomAD no frequency). This variant has not been reported in the literature in individuals affected with IMPDH1-related conditions. An algorithm developed to predict the effect of missense changes on protein structure and function (PolyPhen-2) suggests that this variant is likely to be disruptive. This variant disrupts the p.Leu270 amino acid residue in IMPDH1. Other variant(s) that disrupt this residue have been determined to be pathogenic (PMID: 23534816). This suggests that this residue is clinically significant, and that variants that disrupt this residue are likely to be disease-causing. In summary, the available evidence is currently insufficient to determine the role of this variant in disease. Therefore, it has been classified as a Variant of Uncertain Significance.

Literature cited by the submitters: PubMed 23534816.